The following is an entry in ClinVar:

NM_173630.4(RTTN):c.4129G>C (p.Asp1377His)

Gene: RTTN (rotatin; minus strand). Cytogenetic location: 18q22.2.
Variant type: single nucleotide variant.
Coding change: c.4129G>C on transcript NM_173630.4 (MANE Select); coding-DNA position 4129, G replaced by C.
Protein change: p.Asp1377His; replaces aspartic acid 1377 with histidine.
Molecular consequence: missense variant.
Genome position (GRCh38, 1-based): chr18:70,092,124, C>G on the plus strand (G>C on the coding strand, the complement: RTTN is on the minus strand). VCF-style: chr18-70092124-C-G. GRCh37 (hg19) VCF-style: chr18-67759360-C-G.
Other names: c.1393G>C, p.Asp465His (NM_001318520.2); short protein forms D465H, D1377H.
Identifiers: ClinVar variation 1977861 (VCV001977861.5), dbSNP rs1185594942, ClinGen allele CA402685276.

ClinVar aggregate classification (germline): Uncertain significance (1 of 4 stars; one submission).

Allele frequency attached by ClinVar (database versions not stated): TOPMed below 0.00001; gnomAD 0.00001.
gnomAD v4.1: 1 of 1,607,840 alleles (0.000062%); highest among the groups gnomAD compares: Admixed American, 0.0017%; no homozygotes.

Submission:

Labcorp Genetics (formerly Invitae), Labcorp
Classification: Uncertain significance. Last evaluated: 2022-04-17. Review status: criteria provided, single submitter. Criteria: Invitae Variant Classification Sherloc (09022015). Collection method: clinical testing. Allele origin: germline.
Comment: In summary, the available evidence is currently insufficient to determine the role of this variant in disease. Therefore, it has been classified as a Variant of Uncertain Significance. This sequence change replaces aspartic acid, which is acidic and polar, with histidine, which is basic and polar, at codon 1377 of the RTTN protein (p.Asp1377His). This variant is not present in population databases (gnomAD no frequency). This variant has not been reported in the literature in individuals affected with RTTN-related conditions. Algorithms developed to predict the effect of missense changes on protein structure and function are either unavailable or do not agree on the potential impact of this missense change (SIFT: "Deleterious"; PolyPhen-2: "Probably Damaging"; Align-GVGD: "Class C0").